The following is an entry in ClinVar:

ClinVar aggregate classification (germline): Pathogenic (1 of 4 stars; one submission).

Conditions:
Familial infantile myasthenia (CMS6). Also called: MYASTHENIC SYNDROME, PRESYNAPTIC, CONGENITAL, ASSOCIATED WITH EPISODIC APNEA; MYASTHENIC SYNDROME, CONGENITAL, 6, PRESYNAPTIC; Congenital myasthenic syndrome type 6. Identifiers: Orphanet 590, MedGen C0393929, MONDO:0009689, OMIM 254210.

Submission:

Labcorp Genetics (formerly Invitae), Labcorp
Classification: Pathogenic for Familial infantile myasthenia. Last evaluated: 2023-04-17. Review status: criteria provided, single submitter. Criteria: Invitae Variant Classification Sherloc (09022015). Collection method: clinical testing. Allele origin: unknown.
Comment: For these reasons, this variant has been classified as Pathogenic. This variant disrupts a region of the CHAT protein in which other variant(s) (p.Trp421Ser) have been determined to be pathogenic (PMID: 21786365; Invitae). This suggests that this is a clinically significant region of the protein, and that variants that disrupt it are likely to be disease-causing. This variant has not been reported in the literature in individuals affected with CHAT-related conditions. This variant results in the deletion of exons 9-13 and part of exon 8 (c.1198_1839+1131del) of the CHAT gene. It is expected to disrupt RNA splicing. Variants that disrupt the donor or acceptor splice site typically lead to a loss of protein function (PMID: 16199547), and loss-of-function variants in CHAT are known to be pathogenic (PMID: 12548525, 21786365, 23292760).

Literature cited by the submitters: PubMed 21786365; PubMed 16199547; PubMed 12548525; PubMed 23292760.

NC_000010.10:g.(?_50854637)_(50864625_?)del

Gene: CHAT (choline O-acetyltransferase; plus strand). Cytogenetic location: 10q11.23.
Variant type: Deletion.
Identifiers: ClinVar variation 3244829 (VCV003244829.1).